The following is an entry in ClinVar:

ClinVar aggregate classification (germline): Uncertain significance (1 of 4 stars; one submission).

Conditions:
Primary ciliary dyskinesia. Also called: Ciliary dyskinesia. Identifiers: Orphanet 244, MedGen C0008780, MONDO:0016575, HP:0012265.

Allele frequency attached by ClinVar (database versions not stated): gnomAD exomes below 0.00001; ExAC 0.00001; gnomAD 0.00005; ESP Exome Variant Server 0.00008; TOPMed 0.00004.
gnomAD v4.1: 13 of 1,613,998 alleles (0.00081%); highest among the groups gnomAD compares: African/African-American, 0.017%; no homozygotes.

Submission:

Labcorp Genetics (formerly Invitae), Labcorp
Classification: Uncertain significance for Primary ciliary dyskinesia. Last evaluated: 2021-09-24. Review status: criteria provided, single submitter. Criteria: Invitae Variant Classification Sherloc (09022015). Collection method: clinical testing. Allele origin: germline.
Comment: This sequence change replaces phenylalanine with leucine at codon 86 of the DNAI1 protein (p.Phe86Leu). The phenylalanine residue is moderately conserved and there is a small physicochemical difference between phenylalanine and leucine. This variant is present in population databases (rs376483151, ExAC 0.01%). This variant has not been reported in the literature in individuals with DNAI1-related conditions. Algorithms developed to predict the effect of missense changes on protein structure and function (SIFT, PolyPhen-2, Align-GVGD) all suggest that this variant is likely to be tolerated, but these predictions have not been confirmed by published functional studies and their clinical significance is uncertain. In summary, the available evidence is currently insufficient to determine the role of this variant in disease. Therefore, it has been classified as a Variant of Uncertain Significance.

NM_012144.4(DNAI1):c.256T>C (p.Phe86Leu)

Gene: DNAI1 (dynein axonemal intermediate chain 1; plus strand). Cytogenetic location: 9p13.3.
Variant type: single nucleotide variant.
Coding change: c.256T>C on transcript NM_012144.4 (MANE Select); coding-DNA position 256, T replaced by C.
Protein change: p.Phe86Leu; replaces phenylalanine 86 with leucine.
Molecular consequence: missense variant.
Genome position (GRCh38, 1-based): chr9:34,485,512, T>C. VCF-style: chr9-34485512-T-C. GRCh37 (hg19) VCF-style: chr9-34485510-T-C.
Other names: c.256T>C, p.Phe86Leu (NM_001281428.2); short protein forms F86L.
Identifiers: ClinVar variation 1907175 (VCV001907175.2), dbSNP rs376483151, ClinGen allele CA5033981.